The following is an entry in ClinVar:

ClinVar aggregate classification (germline): Uncertain significance (1 of 4 stars; one submission).

Conditions:
Hyper-IgM syndrome type 1. Also called: CD40 Ligand Deficiency; X-linked hyper-IgM syndrome; Immunodeficiency, X-linked, with hyper-IgM; Hyper-IgM Immunodeficiency Syndrome, Type 1. Identifiers: Orphanet 101088, MedGen C0398689, MONDO:0010626, OMIM 308230.

Submission:

Labcorp Genetics (formerly Invitae), Labcorp
Classification: Uncertain significance for Hyper-IgM syndrome type 1. Last evaluated: 2022-04-28. Review status: criteria provided, single submitter. Criteria: Invitae Variant Classification Sherloc (09022015). Collection method: clinical testing. Allele origin: germline.
Comment: A copy number gain of the genomic region encompassing the full coding sequence of the CD40LG gene has been identified. The boundaries of this event are unknown as they extend beyond the assayed region for this gene and therefore may encompass additional genes. As the precise location of this event is unknown, it may be in tandem or it may be located elsewhere in the genome. This variant has not been reported in the literature in individuals affected with CD40LG-related conditions. Experimental studies and prediction algorithms are not available or were not evaluated, and the functional significance of this variant is currently unknown. In summary, the available evidence is currently insufficient to determine the role of this variant in disease. Therefore, it has been classified as a Variant of Uncertain Significance.

NC_000023.10:g.(?_135730408)_(135741574_?)dup

Gene: CD40LG (CD40 ligand; plus strand). Cytogenetic location: Xq26.3.
Variant type: Duplication.
Identifiers: ClinVar variation 2422304 (VCV002422304.4).